The following is an entry in ClinVar:

ClinVar aggregate classification (germline): Conflicting classifications of pathogenicity. Review status: criteria provided, conflicting classifications (1 of 4 stars). 2 submissions from 2 submitters: Likely pathogenic (1); Uncertain significance (1). Last evaluated 2025-03-12.

Conditions:
Idiopathic Pulmonary Fibrosis. Also called: Idiopathic fibrosing alveolitis, chronic form; idiopathic fibrosing alveolitis. Identifiers: Orphanet 2032, MedGen C1800706, MeSH D054990, MONDO:0800504.
Dyskeratosis congenita, autosomal dominant 2. Identifiers: MedGen C3151443, MONDO:0013521, OMIM 613989.
Dyskeratosis congenita. Identifiers: Orphanet 1775, MedGen C0265965, MONDO:0015780.

Allele frequency attached by ClinVar (database versions not stated): gnomAD exomes below 0.00001; TOPMed below 0.00001.
gnomAD v4.1: 4 of 1,611,202 alleles (0.00025%); highest among the groups gnomAD compares: Non-Finnish European, 0.00034%; no homozygotes.

Submissions (2):

Ambry Genetics
Classification: Likely pathogenic for Dyskeratosis congenita. Last evaluated: 2025-03-12. Review status: criteria provided, single submitter. Criteria: Ambry Variant Classification Scheme 2023. Collection method: clinical testing. Allele origin: germline.
Comment: The p.S480P variant (also known as c.1438T>C), located in coding exon 2 of the TERT gene, results from a T to C substitution at nucleotide position 1438. The serine at codon 480 is replaced by proline, an amino acid with similar properties. This variant was detected in several individuals with idiopathic pulmonary fibrosis (Dressen A et al. Lancet Respir Med, 2018 Aug;6:603-614). This variant co-segregated with disease in one family tested in our laboratory (Ambry internal data). This amino acid position is well conserved in available vertebrate species. Based on the majority of available evidence to date, this variant is likely to be pathogenic.

Labcorp Genetics (formerly Invitae), Labcorp
Classification: Uncertain significance for Dyskeratosis congenita, autosomal dominant 2; Idiopathic Pulmonary Fibrosis. Last evaluated: 2021-08-26. Review status: criteria provided, single submitter. Criteria: Invitae Variant Classification Sherloc (09022015). Collection method: clinical testing. Allele origin: germline.
Comment: This sequence change replaces serine with proline at codon 480 of the TERT protein (p.Ser480Pro). The serine residue is moderately conserved and there is a moderate physicochemical difference between serine and proline. This variant is not present in population databases (ExAC no frequency). This variant has not been reported in the literature in individuals affected with TERT-related conditions. Algorithms developed to predict the effect of missense changes on protein structure and function are either unavailable or do not agree on the potential impact of this missense change (SIFT: "Deleterious"; PolyPhen-2: "Probably Damaging"; Align-GVGD: "Class C0"). In summary, the available evidence is currently insufficient to determine the role of this variant in disease. Therefore, it has been classified as a Variant of Uncertain Significance.

Literature cited by the submitters: PubMed 29891356 (cited by Ambry Genetics).

NM_198253.3(TERT):c.1438T>C (p.Ser480Pro)

Gene: TERT (telomerase reverse transcriptase; minus strand). Cytogenetic location: 5p15.33.
Variant type: single nucleotide variant.
Coding change: c.1438T>C on transcript NM_198253.3 (MANE Select); coding-DNA position 1438, T replaced by C.
Protein change: p.Ser480Pro; replaces serine 480 with proline.
Molecular consequence: missense variant. On other transcripts: non-coding transcript variant (2).
Genome position (GRCh38, 1-based): chr5:1,293,448, A>G on the plus strand (T>C on the coding strand, the complement: TERT is on the minus strand). VCF-style: chr5-1293448-A-G. GRCh37 (hg19) VCF-style: chr5-1293563-A-G.
Other names: c.1438T>C, p.Ser480Pro (NM_001193376.3); short protein forms S480P.
Identifiers: ClinVar variation 846052 (VCV000846052.10), dbSNP rs917650159, ClinGen allele CA112957554.